The following is an entry in ClinVar:

ClinVar aggregate classification (germline): Likely benign. Review status: criteria provided, single submitter (1 of 4 stars). 2 submissions from 2 submitters: Likely benign (1). 1 of the submissions does not count toward it. Last evaluated 2022-07-12.

Conditions:
ASAH1-related disorders. Also called: ASAH1-related condition; ASAH1-related disorder. Identifiers: MedGen CN376120, MONDO:0800460.

Allele frequency attached by ClinVar (database versions not stated): TOPMed below 0.00001; ExAC 0.00001; gnomAD exomes 0.00001.
gnomAD v4.1: 4 of 1,614,254 alleles (0.00025%); highest among the groups gnomAD compares: Admixed American, 0.0033%; no homozygotes.

Submissions (2):

Labcorp Genetics (formerly Invitae), Labcorp
Classification: Likely benign. Last evaluated: 2022-07-12. Review status: criteria provided, single submitter. Criteria: Invitae Variant Classification Sherloc (09022015). Collection method: clinical testing. Allele origin: germline.

PreventionGenetics, part of Exact Sciences
Classification: Likely benign for ASAH1-related condition. Last evaluated: 2019-07-15. Review status: no assertion criteria provided. Collection method: clinical testing. Allele origin: germline. Not counted in ClinVar's aggregate classification.
Comment: This variant is classified as likely benign based on ACMG/AMP sequence variant interpretation guidelines (Richards et al. 2015 PMID: 25741868, with internal and published modifications).

NM_177924.5(ASAH1):c.612T>C (p.Phe204=)

Gene: ASAH1 (N-acylsphingosine amidohydrolase 1; minus strand). Cytogenetic location: 8p22.
Variant type: single nucleotide variant.
Coding change: c.612T>C on transcript NM_177924.5 (MANE Select); coding-DNA position 612, T replaced by C.
Protein change: p.Phe204=; no amino-acid change (phenylalanine 204 retained).
Molecular consequence: synonymous variant.
Genome position (GRCh38, 1-based): chr8:18,062,315, A>G on the plus strand (T>C on the coding strand, the complement: ASAH1 is on the minus strand). VCF-style: chr8-18062315-A-G. GRCh37 (hg19) VCF-style: chr8-17919824-A-G.
Other names: c.594T>C, p.Phe198= (NM_001127505.3); c.417T>C, p.Phe139= (NM_001363743.2); c.660T>C, p.Phe220= (NM_004315.6); c.660T>C (NM_004315.5).
Identifiers: ClinVar variation 1607398 (VCV001607398.10), dbSNP rs765078195, ClinGen allele CA4650769.